The following is an entry in ClinVar:

NM_025243.4(SLC19A3):c.1196A>T (p.Asn399Ile)

Gene: SLC19A3 (solute carrier family 19 member 3; minus strand). Cytogenetic location: 2q36.3.
Variant type: single nucleotide variant.
Coding change: c.1196A>T on transcript NM_025243.4 (MANE Select); coding-DNA position 1196, A replaced by T.
Protein change: p.Asn399Ile; replaces asparagine 399 with isoleucine.
Molecular consequence: missense variant.
Genome position (GRCh38, 1-based): chr2:227,688,284, T>A on the plus strand (A>T on the coding strand, the complement: SLC19A3 is on the minus strand). VCF-style: chr2-227688284-T-A. GRCh37 (hg19) VCF-style: chr2-228553000-T-A.
Other names: c.1196A>T, p.Asn399Ile (NM_001371411.1, NM_001371412.1); c.1184A>T, p.Asn395Ile (NM_001371413.1, NM_001371414.1); short protein forms N395I, N399I.
Identifiers: ClinVar variation 5004847 (VCV005004847.1).
Genomic context (GRCh38, chr2:227,688,284, plus strand): 5'-GTCTGAATCACCAAGGCAATAAAGGTGTTGATTCCAAATACCAAGGCATAGCGTTCCACA[T>A]TCAGATTAACTGCAATCTGAAATCTATCATTAAACATAAATAAGCATTTTAACTATAATA-3'
Protein context (NP_079519.1, residues 389-409): IAVFQIAVNL[Asn399Ile]VERYALVFGI

ClinVar aggregate classification (germline): Uncertain significance (1 of 4 stars; one submission).

Conditions:
Biotin-responsive basal ganglia disease (BTBGD). Also called: Thiamine Transporter-2 Deficiency; Thiamine metabolism dysfunction syndrome 2 (biotin- or thiamine-responsive encephalopathy type 2); thiamine-responsive encephalopathy; Thiamine metabolism dysfunction syndrome type 2; THIAMINE METABOLISM DYSFUNCTION SYNDROME 2 (BIOTIN- AND THIAMINE-RESPONSIVE TYPE). Identifiers: Orphanet 199348, Orphanet 65284, MedGen C1843807, MONDO:0011841, OMIM 607483.

Submission:

Myriad Genetics, Inc.
Classification: Uncertain significance for Biotin-responsive basal ganglia disease. Last evaluated: 2026-08-14. Review status: criteria provided, single submitter. Criteria: Myriad Autosomal Dominant, Autosomal Recessive and X-Linked Classification Criteria (2023). Collection method: clinical testing. Allele origin: unknown.
Comment: NM_025243.3(SLC19A3):c.1196A>T(N399I) is a missense variant classified as a variant of uncertain significance in the context of biotin-thiamine-responsive basal ganglia disease. N399I has been observed in a case with relevant disease (PMID: 25876998). Relevant functional assessments of this variant are not available in the literature. N399I has not been observed in referenced population frequency databases. In summary, there is insufficient evidence to classify NM_025243.3(SLC19A3):c.1196A>T(N399I) as pathogenic or benign. Please note: this variant was assessed in the context of healthy population screening.

Literature cited by the submitters: PubMed 25876998.